The following is an entry in ClinVar:

ClinVar aggregate classification (germline): Uncertain significance (1 of 4 stars; one submission).

Conditions:
Landau-Kleffner syndrome (FESD). Also called: EPILEPSY, FOCAL, WITH SPEECH DISORDER AND WITH OR WITHOUT MENTAL RETARDATION; APHASIA, ACQUIRED, WITH EPILEPSY. Identifiers: Orphanet 1945, Orphanet 725, Orphanet 98818, MedGen C0282512, MONDO:0009509, OMIM 245570.

Submission:

Labcorp Genetics (formerly Invitae), Labcorp
Classification: Uncertain significance for Landau-Kleffner syndrome. Last evaluated: 2024-12-17. Review status: criteria provided, single submitter. Criteria: Invitae Variant Classification Sherloc (09022015). Collection method: clinical testing. Allele origin: germline.
Comment: This sequence change replaces cysteine, which is neutral and slightly polar, with tyrosine, which is neutral and polar, at codon 455 of the GRIN2A protein (p.Cys455Tyr). This variant is not present in population databases (gnomAD no frequency). This missense change has been observed in individual(s) with GRIN2A-related conditions (PMID: 29056244). Invitae Evidence Modeling of protein sequence and biophysical properties (such as structural, functional, and spatial information, amino acid conservation, physicochemical variation, residue mobility, and thermodynamic stability) indicates that this missense variant is expected to disrupt GRIN2A protein function with a positive predictive value of 95%. In summary, the available evidence is currently insufficient to determine the role of this variant in disease. Therefore, it has been classified as a Variant of Uncertain Significance.

Literature cited by the submitters: PubMed 29056244.

NM_001134407.3(GRIN2A):c.1364G>A (p.Cys455Tyr)

Gene: GRIN2A (glutamate ionotropic receptor NMDA type subunit 2A; minus strand). Cytogenetic location: 16p13.2.
Variant type: single nucleotide variant.
Coding change: c.1364G>A on transcript NM_001134407.3 (MANE Select); coding-DNA position 1364, G replaced by A.
Protein change: p.Cys455Tyr; replaces cysteine 455 with tyrosine.
Molecular consequence: missense variant.
Genome position (GRCh38, 1-based): chr16:9,841,069, C>T on the plus strand (G>A on the coding strand, the complement: GRIN2A is on the minus strand). VCF-style: chr16-9841069-C-T. GRCh37 (hg19) VCF-style: chr16-9934926-C-T.
Other names: c.1364G>A, p.Cys455Tyr (NM_000833.5, NM_001134408.2); short protein forms C455Y.
Identifiers: ClinVar variation 3704473 (VCV003704473.2).